The following is an entry in ClinVar:

NM_014362.4(HIBCH):c.353T>C (p.Phe118Ser)

Gene: HIBCH (3-hydroxyisobutyryl-CoA hydrolase; minus strand). Cytogenetic location: 2q32.2.
Variant type: single nucleotide variant.
Coding change: c.353T>C on transcript NM_014362.4 (MANE Select); coding-DNA position 353, T replaced by C.
Protein change: p.Phe118Ser; replaces phenylalanine 118 with serine.
Molecular consequence: missense variant.
Genome position (GRCh38, 1-based): chr2:190,290,437, A>G on the plus strand (T>C on the coding strand, the complement: HIBCH is on the minus strand). VCF-style: chr2-190290437-A-G. GRCh37 (hg19) VCF-style: chr2-191155163-A-G.
Other names: c.353T>C, p.Phe118Ser (NM_198047.3); short protein forms F118S.
Identifiers: ClinVar variation 973469 (VCV000973469.7), dbSNP rs758938066, ClinGen allele CA2027676.
Genomic context (GRCh38, chr2:190,290,437, plus strand): 5'-TCCAAAGCTCTGAGCAGAATACACATACCAACAGCATTATTCAGCATATATTCTTCTCTG[A>G]AGAAAACTGGAGCTATCTTCTGTTTTGCCTTTTCAGCTTCCGAGATCACTAGGAAGGAAA-3'
Protein context (NP_055177.2, residues 108-128): KAKQKIAPVF[Phe118Ser]REEYMLNNAV

ClinVar aggregate classification (germline): Conflicting classifications of pathogenicity. Review status: criteria provided, conflicting classifications (1 of 4 stars). 2 submissions from 2 submitters: Likely pathogenic (1); Uncertain significance (1). Last evaluated 2025-07-28.

Conditions:
3-hydroxyisobutyryl-CoA hydrolase deficiency. Also called: VALINE METABOLIC DEFECT; HIBCH DEFICIENCY; METHACRYLIC ACID TOXICITY; METHACRYLIC ACIDURIA; Reduced circulating 3-hydroxyisobutyryl-CoA hydrolase activity; Deficiency of 3-hydroxyisobutyryl CoA hydrolase. Identifiers: Orphanet 88639, MedGen C0342738, MONDO:0009603, OMIM 250620, HP:6000215.

Allele frequency attached by ClinVar (database versions not stated): gnomAD exomes below 0.00001 and 0.00002; TOPMed below 0.00001; ExAC 0.00002.
gnomAD v4.1: 3 of 1,612,422 alleles (0.00019%); highest among the groups gnomAD compares: Admixed American, 0.0033%; no homozygotes.

Submissions (2):

Labcorp Genetics (formerly Invitae), Labcorp
Classification: Likely pathogenic for 3-hydroxyisobutyryl-CoA hydrolase deficiency. Last evaluated: 2025-07-28. Review status: criteria provided, single submitter. Criteria: Invitae Variant Classification Sherloc (09022015). Collection method: clinical testing. Allele origin: germline.
Comment: This sequence change replaces phenylalanine, which is neutral and non-polar, with serine, which is neutral and polar, at codon 118 of the HIBCH protein (p.Phe118Ser). This variant is present in population databases (rs758938066, gnomAD 0.009%). This missense change has been observed in individual(s) with 3-hydroxyisobutryl-CoA hydrolase deficiency (PMID: 32677093; external communication). In at least one individual the data is consistent with being in trans (on the opposite chromosome) from a pathogenic variant. ClinVar contains an entry for this variant (Variation ID: 973469). Invitae Evidence Modeling of protein sequence and biophysical properties (such as structural, functional, and spatial information, amino acid conservation, physicochemical variation, residue mobility, and thermodynamic stability) indicates that this missense variant is expected to disrupt HIBCH protein function with a positive predictive value of 80%. In summary, the currently available evidence indicates that the variant is pathogenic, but additional data are needed to prove that conclusively. Therefore, this variant has been classified as Likely Pathogenic.

Elsea Laboratory, Baylor College of Medicine
Classification: Uncertain significance for 3-hydroxyisobutyryl-CoA hydrolase deficiency. Last evaluated: 2020-04-01. Review status: criteria provided, single submitter. Criteria: ACMG Guidelines, 2015. Collection method: clinical testing. Allele origin: maternal.

Literature cited by the submitters: PubMed 32677093 (cited by Labcorp Genetics (formerly Invitae), Labcorp).